The following is an entry in ClinVar:

NM_014159.7(SETD2):c.4715+5G>A

Gene: SETD2 (SET domain containing 2, histone lysine methyltransferase; minus strand). Cytogenetic location: 3p21.31.
Variant type: single nucleotide variant.
Coding change: c.4715+5G>A on transcript NM_014159.7 (MANE Select); 5 bases into the intron after coding-DNA position 4715, G replaced by A.
Molecular consequence: intron variant.
Genome position (GRCh38, 1-based): chr3:47,113,871, C>T on the plus strand (G>A on the coding strand, the complement: SETD2 is on the minus strand). VCF-style: chr3-47113871-C-T. GRCh37 (hg19) VCF-style: chr3-47155361-C-T.
Other names: c.4583+5G>A (NM_001349370.3).
Identifiers: ClinVar variation 2230065 (VCV002230065.3), dbSNP rs1201964941, ClinGen allele CA542744460.
Genomic context (GRCh38, chr3:47,113,871, plus strand): 5'-TCTGGGTGAAAGAGTGAGACCTTGTCTCAAAAAAGGAAGTGAAAGGTAATTAAAAAAGAA[C>T]TTACGAAGGAAGGTCTTTGGCAGCTCTCAAGCCCCAGCCTTTCTTTTCTGTGAGTATGAC-3'

ClinVar aggregate classification (germline): Uncertain significance. Review status: criteria provided, multiple submitters, no conflicts (2 of 4 stars). 2 submissions from 2 submitters: Uncertain significance (2). Last evaluated 2024-08-02.

Conditions:
Inborn genetic diseases. Identifiers: MedGen C0950123, MeSH D030342.

Allele frequency attached by ClinVar (database versions not stated): gnomAD exomes below 0.00001; TOPMed below 0.00001.
gnomAD v4.1: 4 of 1,603,544 alleles (0.00025%); highest among the groups gnomAD compares: Admixed American, 0.0018%; no homozygotes.

Submissions (2):

Women's Health and Genetics/Laboratory Corporation of America, LabCorp
Classification: Uncertain significance. Last evaluated: 2024-08-02. Review status: criteria provided, single submitter. Criteria: LabCorp Variant Classification Summary - May 2015. Collection method: clinical testing. Allele origin: germline.
Comment: Variant summary: SETD2 c.4715+5G>A alters a conserved nucleotide located close to a canonical splice site and therefore could affect mRNA splicing, leading to a significantly altered protein sequence. Several computational tools predict a significant impact on normal splicing: Four predict the variant abolishes a 5' splicing donor site. However, these predictions have yet to be confirmed by functional studies. The variant allele was found at a frequency of 8.3e-06 in 240702 control chromosomes. The available data on variant occurrences in the general population are insufficient to allow any conclusion about variant significance. To our knowledge, no occurrence of c.4715+5G>A in individuals affected with Luscan-Lumish Syndrome and no experimental evidence demonstrating its impact on protein function have been reported. ClinVar contains an entry for this variant (Variation ID: 2230065). Based on the evidence outlined above, the variant was classified as uncertain significance.

Ambry Genetics
Classification: Uncertain significance for Inborn genetic diseases. Last evaluated: 2021-03-10. Review status: criteria provided, single submitter. Criteria: Ambry Variant Classification Scheme 2023. Collection method: clinical testing. Allele origin: germline.
Comment: The c.4715+5G>A intronic alteration consists of a G to A substitution nucleotides after coding exon 5 in the SETD2 gene. Based on insufficient or conflicting evidence, the clinical significance of this alteration remains unclear.